The following is an entry in ClinVar:

ClinVar aggregate classification (germline): Uncertain significance. Review status: criteria provided, multiple submitters, no conflicts (2 of 4 stars). 3 submissions from 3 submitters: Uncertain significance (2). 1 of the submissions does not count toward it. Last evaluated 2025-04-04.

Conditions:
Hereditary cancer-predisposing syndrome. Also called: Neoplastic Syndromes, Hereditary; Tumor predisposition; Hereditary Cancer Syndrome; Hereditary neoplastic syndrome. Identifiers: Orphanet 140162, MedGen C0027672, MeSH D009386, MONDO:0015356.
Bloom syndrome (BLM). Also called: Bloom-Torre-Machacek syndrome. Identifiers: Orphanet 125, MedGen C0005859, MONDO:0008876, OMIM 210900.

Submissions (3):

Ambry Genetics
Classification: Uncertain significance for Hereditary cancer-predisposing syndrome. Last evaluated: 2025-04-04. Review status: criteria provided, single submitter. Criteria: Ambry Variant Classification Scheme 2023. Collection method: clinical testing. Allele origin: germline.
Comment: The p.D559V variant (also known as c.1676A>T), located in coding exon 6 of the BLM gene, results from an A to T substitution at nucleotide position 1676. The aspartic acid at codon 559 is replaced by valine, an amino acid with highly dissimilar properties. This amino acid position is highly conserved in available vertebrate species. In addition, the in silico prediction for this alteration is inconclusive. Since supporting evidence is limited at this time, the clinical significance of this alteration remains unclear.

Labcorp Genetics (formerly Invitae), Labcorp
Classification: Uncertain significance for Bloom syndrome. Last evaluated: 2018-08-25. Review status: criteria provided, single submitter. Criteria: Invitae Variant Classification Sherloc (09022015). Collection method: clinical testing. Allele origin: germline.
Comment: This sequence change replaces aspartic acid with valine at codon 559 of the BLM protein (p.Asp559Val). The aspartic acid residue is moderately conserved and there is a large physicochemical difference between aspartic acid and valine. This variant is not present in population databases (ExAC no frequency). This variant has not been reported in the literature in individuals with BLM-related disease. Algorithms developed to predict the effect of missense changes on protein structure and function are either unavailable or do not agree on the potential impact of this missense change (SIFT: "Deleterious"; PolyPhen-2: "Probably Damaging"; Align-GVGD: "Class C0"). In summary, the available evidence is currently insufficient to determine the role of this variant in disease. Therefore, it has been classified as a Variant of Uncertain Significance.

Natera, Inc.
Classification: Uncertain significance for Bloom syndrome. Last evaluated: 2018-05-29. Review status: no assertion criteria provided. Collection method: clinical testing. Allele origin: germline. Not counted in ClinVar's aggregate classification.

NM_000057.4(BLM):c.1676A>T (p.Asp559Val)

Gene: BLM (BLM RecQ like helicase; plus strand). Cytogenetic location: 15q26.1.
Variant type: single nucleotide variant.
Coding change: c.1676A>T on transcript NM_000057.4 (MANE Select); coding-DNA position 1676, A replaced by T.
Protein change: p.Asp559Val; replaces aspartic acid 559 with valine.
Molecular consequence: missense variant.
Genome position (GRCh38, 1-based): chr15:90,761,049, A>T. VCF-style: chr15-90761049-A-T. GRCh37 (hg19) VCF-style: chr15-91304279-A-T.
Other names: c.1676A>T, p.Asp559Val (NM_001287246.2, NM_001287247.2); c.551A>T, p.Asp184Val (NM_001287248.2); short protein forms D559V, D184V.
Identifiers: ClinVar variation 651790 (VCV000651790.18), dbSNP rs1596230337, ClinGen allele CA393843592.